The following continues an entry in ClinVar:

NM_000545.8(HNF1A):c.92G>A (p.Gly31Asp)

Gene: HNF1A. ClinVar aggregate classification (germline): Benign. Benign (1).

Submissions 14 to 19 of 19:

Genetic Services Laboratory, University of Chicago
Classification: Uncertain significance. Last evaluated: 2016-11-16. Review status: criteria provided, single submitter. Criteria: ACMG Guidelines, 2015. Collection method: clinical testing. Allele origin: germline. Affected: no. Not counted in ClinVar's aggregate classification.

Clinical Genomics, Uppaluri K&H Personalized Medicine Clinic
Classification: Likely pathogenic for Maturity-onset diabetes of the young. Review status: criteria provided, single submitter. Criteria: K & H Uppaluri Personalized Medicine Clinic Variant Classification & Assertion Criteria_Updated V.1. Collection method: research. Allele origin: unknown. Inheritance: Autosomal dominant inheritance. Not counted in ClinVar's aggregate classification.
Comment: Mutations in HNF1A gene can predispose to MODY3. It is associated with both micro and macrovascular complications of diabetes, especially cardiovascular complications. Associated with glucosuria. May respond well to sulfonylureas. Sufficient evidence is found to confer the association of this particular variant rs137853247 with MODY3.

PreventionGenetics, part of Exact Sciences
Classification: Uncertain significance for HNF1A-related condition. Last evaluated: 2024-08-28. Review status: no assertion criteria provided. Collection method: clinical testing. Allele origin: germline. Not counted in ClinVar's aggregate classification.
Comment: The HNF1A c.92G>A variant is predicted to result in the amino acid substitution p.Gly31Asp. This variant has been repeatedly reported in patients with maturity onset diabetes of the young (MODY), but its pathogenicity is still inconclusive (Chèvre et al. 1998. PubMed ID: 9754819; Beijers et al. 2009. PubMed ID: 19929997; Thanabalasingham et al. 2012. PubMed ID: 22432108). This variant could be pathogenic but a decreased penetrance may occur (Thanabalasingham et al. 2012. PubMed ID: 22432108). This variant is reported in 0.16% of alleles in individuals of Latino descent in gnomAD, including one homozygous observation. At this time, the clinical significance of this variant is uncertain due to the absence of conclusive functional and genetic evidence.

OMIM
Classification: Pathogenic for MATURITY-ONSET DIABETES OF THE YOUNG, TYPE 3. Last evaluated: 2005-03-01. Review status: no assertion criteria provided. Collection method: literature only. Allele origin: germline. Not counted in ClinVar's aggregate classification.

OMIM
Classification: Pathogenic for RENAL CELL CARCINOMA, CLEAR CELL. Last evaluated: 2005-03-01. Review status: no assertion criteria provided. Collection method: literature only. Allele origin: germline. Not counted in ClinVar's aggregate classification.

OMIM
Classification: Pathogenic for RENAL CELL CARCINOMA, CHROMOPHOBE. Last evaluated: 2005-03-01. Review status: no assertion criteria provided. Collection method: literature only. Allele origin: germline. Not counted in ClinVar's aggregate classification.

Literature cited by the submitters: PubMed 32910913 (cited by 3 submitters); PubMed 31365591 (cited by 4 submitters); PubMed 31638168 (cited by 3 submitters); PubMed 19169489 (cited by 3 submitters); PubMed 26431509 (cited by 3 submitters); PubMed 28395978 (cited by 3 submitters); PubMed 20950394 (cited by ClinGen Monogenic Diabetes Variant Curation Expert Panel); PubMed 26059258 (cited by 3 submitters); PubMed 19929997 (cited by 4 submitters); PubMed 22432108 (cited by 4 submitters); PubMed 27899486 (cited by ClinGen Monogenic Diabetes Variant Curation Expert Panel); PubMed 23551881 (cited by ClinGen Monogenic Diabetes Variant Curation Expert Panel); PubMed 24041679 (cited by ClinGen Monogenic Diabetes Variant Curation Expert Panel); PubMed 16917892 (cited by ClinGen Monogenic Diabetes Variant Curation Expert Panel); PubMed 21696527 (cited by 3 submitters); PubMed 30191644 (cited by Athena Diagnostics and Women's Health and Genetics/Laboratory Corporation of America, LabCorp); PubMed 24097065 (cited by Athena Diagnostics and Ambry Genetics); PubMed 31576961 (cited by Athena Diagnostics); PubMed 27148439 (cited by Athena Diagnostics); PubMed 35663783 (cited by Athena Diagnostics); PubMed 10966642 (cited by Athena Diagnostics); PubMed 11393552 (cited by Athena Diagnostics); PubMed 15649945 (cited by Athena Diagnostics and OMIM); PubMed 17573900 (cited by Athena Diagnostics); PubMed 22348187 (cited by Athena Diagnostics); PubMed 9392505 (cited by Athena Diagnostics); PubMed 9754819 (cited by 4 submitters).